The following is an entry in ClinVar:

NM_021067.5(GINS1):c.367A>G (p.Thr123Ala)

Gene: GINS1 (GINS complex subunit 1; plus strand). Cytogenetic location: 20p11.21.
Variant type: single nucleotide variant.
Coding change: c.367A>G on transcript NM_021067.5 (MANE Select); coding-DNA position 367, A replaced by G.
Protein change: p.Thr123Ala; replaces threonine 123 with alanine.
Molecular consequence: missense variant. On other transcripts: non-coding transcript variant (1), intron variant (1).
Genome position (GRCh38, 1-based): chr20:25,425,247, A>G. VCF-style: chr20-25425247-A-G. GRCh37 (hg19) VCF-style: chr20-25405883-A-G.
Other names: c.112A>G, p.Thr38Ala (NM_001410831.1); c.330+7052A>G (NM_001410830.1); short protein forms T123A, T38A.
Identifiers: ClinVar variation 4723231 (VCV004723231.1).

ClinVar aggregate classification (germline): Uncertain significance (1 of 4 stars; one submission).

Submission:

Labcorp Genetics (formerly Invitae), Labcorp
Classification: Uncertain significance. Last evaluated: 2025-09-10. Review status: criteria provided, single submitter. Criteria: Invitae Variant Classification Sherloc (09022015). Collection method: clinical testing. Allele origin: germline.
Comment: This sequence change replaces threonine, which is neutral and polar, with alanine, which is neutral and non-polar, at codon 123 of the GINS1 protein (p.Thr123Ala). This variant is not present in population databases (gnomAD no frequency). This variant has not been reported in the literature in individuals affected with GINS1-related conditions. An algorithm developed to predict the effect of missense changes on protein structure and function (PolyPhen-2) suggests that this variant is likely to be tolerated. In summary, the available evidence is currently insufficient to determine the role of this variant in disease. Therefore, it has been classified as a Variant of Uncertain Significance.